The following is an entry in ClinVar:

ClinVar aggregate classification (germline): Benign/Likely benign. Review status: criteria provided, multiple submitters, no conflicts (2 of 4 stars). 2 submissions from 2 submitters: Benign (1); Likely benign (1). Last evaluated 2024-12-19.

Conditions:
Hereditary cancer-predisposing syndrome. Also called: Tumor predisposition; Neoplastic Syndromes, Hereditary; Hereditary neoplastic syndrome; Hereditary Cancer Syndrome. Identifiers: Orphanet 140162, MedGen C0027672, MeSH D009386, MONDO:0015356.
Lynch syndrome 5 (LYNCH5). Also called: Hereditary non-polyposis colorectal cancer, type 5; Colorectal cancer, hereditary nonpolyposis, type 5. Identifiers: Orphanet 144, MedGen C1833477, MONDO:0013710, OMIM 614350. Disease mechanism: loss of function.

gnomAD v4.1: 1 of 1,614,192 alleles (0.000062%); highest among the groups gnomAD compares: Admixed American, 0.0017%; no homozygotes.

Submissions (2):

Myriad Genetics, Inc.
Classification: Benign for Lynch syndrome 5. Last evaluated: 2024-12-19. Review status: criteria provided, single submitter. Criteria: Myriad Autosomal Dominant, Autosomal Recessive and X-Linked Classification Criteria (2023). Collection method: clinical testing. Allele origin: unknown.
Comment: This variant is considered benign. This variant is a silent/synonymous amino acid change and it is not expected to impact splicing.

Color Diagnostics, LLC DBA Color Health
Classification: Likely benign for Hereditary cancer-predisposing syndrome. Last evaluated: 2018-02-06. Review status: criteria provided, single submitter. Criteria: ACMG Guidelines, 2015. Collection method: clinical testing. Allele origin: germline.

NM_000179.3(MSH6):c.537A>G (p.Ala179=)

Gene: MSH6 (mutS homolog 6; plus strand). Cytogenetic location: 2p16.3.
Variant type: single nucleotide variant.
Coding change: c.537A>G on transcript NM_000179.3 (MANE Select); coding-DNA position 537, A replaced by G.
Protein change: p.Ala179=; no amino-acid change (alanine 179 retained).
Molecular consequence: synonymous variant. On other transcripts: 5 prime UTR variant (1), intron variant (2).
Genome position (GRCh38, 1-based): chr2:47,795,973, A>G. VCF-style: chr2-47795973-A-G. GRCh37 (hg19) VCF-style: chr2-48023112-A-G.
Other names: c.-366A>G (NM_001281494.2); c.-279-2638A>G (NM_001281493.2); c.238-2638A>G (NM_001281492.2).
Identifiers: ClinVar variation 631291 (VCV000631291.3), dbSNP rs1558656591, ClinGen allele CA425992919.